The following is an entry in ClinVar:

ClinVar aggregate classification (germline): Conflicting classifications of pathogenicity. Review status: criteria provided, conflicting classifications (1 of 4 stars). 7 submissions from 7 submitters: Uncertain significance (1); Benign (1); Likely benign (4). 1 of the submissions does not count toward it. Last evaluated 2025-12-15.

Conditions:
ZEB2-related disorder. Also called: ZEB2-related condition.
Mowat-Wilson syndrome (MOWS). Also called: Classic Mowat-Wilson Syndrome. Identifiers: Orphanet 2152, MedGen C1856113, MONDO:0009341, OMIM 235730.

Allele frequency attached by ClinVar (database versions not stated): TOPMed 0.00003; ESP Exome Variant Server 0.00015.
gnomAD v4.1: 199 of 1,614,044 alleles (0.012%); highest among the groups gnomAD compares: Non-Finnish European, 0.015%; no homozygotes.

Submissions (7):

Labcorp Genetics (formerly Invitae), Labcorp
Classification: Likely benign for Mowat-Wilson syndrome. Last evaluated: 2025-12-15. Review status: criteria provided, single submitter. Criteria: Invitae Variant Classification Sherloc (09022015). Collection method: clinical testing. Allele origin: germline.

CeGaT Center for Human Genetics Tuebingen
Classification: Likely benign. Last evaluated: 2025-07-01. Review status: criteria provided, single submitter. Criteria: CeGaT Center For Human Genetics Tuebingen Variant Classification Criteria Version 2. Collection method: clinical testing. Allele origin: germline. Affected: yes. Observed: 3 variant alleles.
Comment: ZEB2: BP4, BP7

Blueprint Genetics
Classification: Likely benign. Last evaluated: 2024-03-22. Review status: criteria provided, single submitter. Criteria: ACMG Guidelines, 2015. Collection method: clinical testing. Allele origin: germline.

Genome-Nilou Lab
Classification: Likely benign for Mowat-Wilson syndrome. Last evaluated: 2021-11-07. Review status: criteria provided, single submitter. Criteria: ACMG Guidelines, 2015. Collection method: clinical testing. Allele origin: germline. Affected: no.

Eurofins Ntd Llc (ga)
Classification: Uncertain significance. Last evaluated: 2017-03-23. Review status: criteria provided, single submitter. Criteria: EGL Classification Definitions 2015. Collection method: clinical testing. Allele origin: germline. Observed: 1 variant allele, 1 heterozygote.

GeneDx
Classification: Benign. Last evaluated: 2015-06-29. Review status: criteria provided, single submitter. Criteria: GeneDx Variant Classification (06012015). Collection method: clinical testing. Allele origin: germline. Affected: yes.
Comment: This variant is considered likely benign or benign based on one or more of the following criteria: it is a conservative change, it occurs at a poorly conserved position in the protein, it is predicted to be benign by multiple in silico algorithms, and/or has population frequency not consistent with disease.

PreventionGenetics, part of Exact Sciences
Classification: Likely benign for ZEB2-related condition. Last evaluated: 2023-03-29. Review status: no assertion criteria provided. Collection method: clinical testing. Allele origin: germline. Not counted in ClinVar's aggregate classification.
Comment: This variant is classified as likely benign based on ACMG/AMP sequence variant interpretation guidelines (Richards et al. 2015 PMID: 25741868, with internal and published modifications).

NM_014795.4(ZEB2):c.1542G>T (p.Pro514=)

Gene: ZEB2 (zinc finger E-box binding homeobox 2; minus strand). Cytogenetic location: 2q22.3.
Variant type: single nucleotide variant.
Coding change: c.1542G>T on transcript NM_014795.4 (MANE Select); coding-DNA position 1542, G replaced by T.
Protein change: p.Pro514=; no amino-acid change (proline 514 retained).
Molecular consequence: synonymous variant.
Genome position (GRCh38, 1-based): chr2:144,399,645, C>A on the plus strand (G>T on the coding strand, the complement: ZEB2 is on the minus strand). VCF-style: chr2-144399645-C-A. GRCh37 (hg19) VCF-style: chr2-145157212-C-A.
Other names: c.1470G>T, p.Pro490= (NM_001171653.2).
Identifiers: ClinVar variation 374622 (VCV000374622.60), dbSNP rs141674976, ClinGen allele CA1898324.